The following is an entry in ClinVar:

ClinVar aggregate classification (germline): Conflicting classifications of pathogenicity. Review status: criteria provided, conflicting classifications (1 of 4 stars). 4 submissions from 4 submitters: Uncertain significance (3); Likely benign (1). Last evaluated 2025-06-19.

Conditions:
Cardiovascular phenotype. Identifiers: MedGen CN230736.
Familial hypobetalipoproteinemia 1. Also called: Hypobetalipoproteinemia, normotriglyceridemic; Acanthocytosis with hypobetalipoproteinemia; APOB-Related Familial Hypobetalipoproteinemia. Identifiers: MedGen C4551990, MONDO:0014252, OMIM 615558.
Hypercholesterolemia, autosomal dominant, type B (FHCL2). Also called: Familial Hypercholesterolemia Type B; APOLIPOPROTEIN B-100, FAMILIAL DEFECTIVE; APOLIPOPROTEIN B-100, FAMILIAL LIGAND-DEFECTIVE; HYPERCHOLESTEROLEMIA, FAMILIAL, DUE TO LIGAND-DEFECTIVE APOLIPOPROTEIN B; Hyperlipoproteinemia Type IIb; Familial hypercholesterolemia 2. Identifiers: MedGen C1704417, MONDO:0007751, OMIM 144010.

gnomAD v4.1: 27 of 1,614,064 alleles (0.0017%); highest among the groups gnomAD compares: Middle Eastern, 0.016%; no homozygotes.

Submissions (4):

Women's Health and Genetics/Laboratory Corporation of America, LabCorp
Classification: Uncertain significance. Last evaluated: 2025-06-19. Review status: criteria provided, single submitter. Criteria: LabCorp Variant Classification Summary - May 2015. Collection method: clinical testing. Allele origin: germline.
Comment: Variant summary: APOB c.2692G>A (p.Gly898Arg) results in a non-conservative amino acid change in the encoded protein sequence. Algorithms developed to predict the effect of missense changes on protein structure and function are either unavailable or do not agree on the potential impact of this missense change. The variant allele was found at a frequency of 2.4e-05 in 251408 control chromosomes. The available data on variant occurrences in the general population are insufficient to allow any conclusion about variant significance. To our knowledge, no occurrence of c.2692G>A in individuals affected with Familial Hypobetalipoproteinemia 1 Recessive and no experimental evidence demonstrating its impact on protein function have been reported. ClinVar contains an entry for this variant (Variation ID: 3308064). Based on the evidence outlined above, the variant was classified as uncertain significance.

Labcorp Genetics (formerly Invitae), Labcorp
Classification: Likely benign for Familial hypobetalipoproteinemia 1; Hypercholesterolemia, autosomal dominant, type B. Last evaluated: 2025-02-05. Review status: criteria provided, single submitter. Criteria: Invitae Variant Classification Sherloc (09022015). Collection method: clinical testing. Allele origin: germline.

GeneDx
Classification: Uncertain significance. Last evaluated: 2024-12-31. Review status: criteria provided, single submitter. Criteria: GeneDx Variant Classification Process June 2021. Collection method: clinical testing. Allele origin: germline. Affected: yes.
Comment: In silico analysis supports that this missense variant has a deleterious effect on protein structure/function; Has not been previously published as pathogenic or benign to our knowledge

Ambry Genetics
Classification: Uncertain significance for Cardiovascular phenotype. Last evaluated: 2024-06-07. Review status: criteria provided, single submitter. Criteria: Ambry Variant Classification Scheme 2023. Collection method: clinical testing. Allele origin: germline.
Comment: The p.G898R variant (also known as c.2692G>A), located in coding exon 18 of the APOB gene, results from a G to A substitution at nucleotide position 2692. The glycine at codon 898 is replaced by arginine, an amino acid with dissimilar properties. This amino acid position is conserved. In addition, this alteration is predicted to be tolerated by in silico analysis. Based on the available evidence, the clinical significance of this variant remains unclear.

NM_000384.3(APOB):c.2692G>A (p.Gly898Arg)

Gene: APOB (apolipoprotein B; minus strand). Cytogenetic location: 2p24.1.
Variant type: single nucleotide variant.
Coding change: c.2692G>A on transcript NM_000384.3 (MANE Select); coding-DNA position 2692, G replaced by A.
Protein change: p.Gly898Arg; replaces glycine 898 with arginine.
Molecular consequence: missense variant.
Genome position (GRCh38, 1-based): chr2:21,022,955, C>T on the plus strand (G>A on the coding strand, the complement: APOB is on the minus strand). VCF-style: chr2-21022955-C-T. GRCh37 (hg19) VCF-style: chr2-21245827-C-T.
Other names: short protein forms G898R.
Identifiers: ClinVar variation 3308064 (VCV003308064.5).